The following is an entry in ClinVar:

ClinVar aggregate classification (germline): Conflicting classifications of pathogenicity. Review status: criteria provided, conflicting classifications (1 of 4 stars). 3 submissions from 3 submitters: Uncertain significance (1); Benign (1); Likely benign (1). Last evaluated 2025-04-01.

Conditions:
Tip-toe gait. Also called: Toe walking. Identifiers: MedGen C0427144, HP:0030051.

Allele frequency attached by ClinVar (database versions not stated): TOPMed 0.00012; gnomAD 0.00013; ExAC 0.00019; gnomAD exomes 0.00030.
gnomAD v4.1: 396 of 1,463,368 alleles (0.027%); highest among the groups gnomAD compares: Non-Finnish European, 0.035%; no homozygotes.

Submissions (3):

CeGaT Center for Human Genetics Tuebingen
Classification: Uncertain significance. Last evaluated: 2025-04-01. Review status: criteria provided, single submitter. Criteria: CeGaT Center For Human Genetics Tuebingen Variant Classification Criteria Version 2. Collection method: clinical testing. Allele origin: germline. Affected: yes. Observed: 1 variant allele.
Comment: SBF1: PM2, BP4

Labcorp Genetics (formerly Invitae), Labcorp
Classification: Likely benign. Last evaluated: 2024-09-12. Review status: criteria provided, single submitter. Criteria: Invitae Variant Classification Sherloc (09022015). Collection method: clinical testing. Allele origin: germline.

Practice for Gait Abnormalities, David Pomarino, Competency Network Toe Walking C/o Practice Pomarino
Classification: Benign for Tip-toe gait. Last evaluated: 2021-06-16. Review status: criteria provided, single submitter. Criteria: Pomarino et al. (Glob Med Genet. 2026). Collection method: clinical testing. Allele origin: germline. Affected: yes.

NM_002972.4(SBF1):c.55+8C>T

Gene: SBF1 (SET binding factor 1; minus strand). Cytogenetic location: 22q13.33.
Variant type: single nucleotide variant.
Coding change: c.55+8C>T on transcript NM_002972.4 (MANE Select); 8 bases into the intron after coding-DNA position 55, C replaced by T.
Molecular consequence: intron variant.
Genome position (GRCh38, 1-based): chr22:50,474,778, G>A on the plus strand (C>T on the coding strand, the complement: SBF1 is on the minus strand). VCF-style: chr22-50474778-G-A. GRCh37 (hg19) VCF-style: chr22-50913207-G-A.
Other names: c.55+8C>T (NM_002972.3, NM_001365819.1).
Identifiers: ClinVar variation 1941134 (VCV001941134.13), dbSNP rs776024454, ClinGen allele CA10318271.